The following is an entry in ClinVar:

ClinVar aggregate classification (germline): Pathogenic (1 of 4 stars; one submission).

Conditions:
Ataxia-telangiectasia syndrome (AT). Also called: Ataxia-telangiectasia, complementation group E; LOUIS-BAR SYNDROME; Ataxia-telangiectasia, complementation group D; AT, COMPLEMENTATION GROUP C; Ataxia-telangiectasia; Cerebello-oculocutaneous telangiectasia. Identifiers: Orphanet 100, MedGen C0004135, MONDO:0008840, OMIM 208900.

Submission:

Labcorp Genetics (formerly Invitae), Labcorp
Classification: Pathogenic for Ataxia-telangiectasia syndrome. Last evaluated: 2023-12-10. Review status: criteria provided, single submitter. Criteria: Invitae Variant Classification Sherloc (09022015). Collection method: clinical testing. Allele origin: germline.
Comment: This sequence change creates a premature translational stop signal (p.Val1063Glyfs*8) in the ATM gene. It is expected to result in an absent or disrupted protein product. Loss-of-function variants in ATM are known to be pathogenic (PMID: 23807571, 25614872). This variant is not present in population databases (gnomAD no frequency). This premature translational stop signal has been observed in individual(s) with ataxia-telangiectasia (PMID: 21665257). This variant is also known as c.3187_3191del5 (p.Val1063_Met1064>Glyfsx8). For these reasons, this variant has been classified as Pathogenic.

Literature cited by the submitters: PubMed 23807571; PubMed 25614872; PubMed 21665257.

NM_000051.4(ATM):c.3188_3192del (p.Val1063fs)

Gene: ATM (ATM serine/threonine kinase; plus strand). Cytogenetic location: 11q22.3.
Variant type: Microsatellite.
Coding change: c.3188_3192del on transcript NM_000051.4 (MANE Select); coding-DNA positions 3188 to 3192, 5 bases deleted (TAATG; older notation c.3188_3192delTAATG).
Protein change: p.Val1063fs; shifts the reading frame from valine 1063.
Molecular consequence: frameshift variant.
Genome position (GRCh38, 1-based): chr11:108,272,756-108,272,760, TAATG deleted; deleting any 5 consecutive bases within chr11:108,272,751-108,272,760 gives the same sequence; the c. name uses the placement nearest the transcript's 3' end. VCF-style (leftmost placement, unchanged base first): chr11-108272750-TTAATG-T. GRCh37 (hg19) VCF-style: chr11-108143477-TTAATG-T.
Other names: c.3188_3192del, p.Val1063fs (NM_001351834.2); short protein forms V1063fs.
Identifiers: ClinVar variation 1453628 (VCV001453628.6), dbSNP rs2135570486, ClinGen allele CA2580616435.